The following is an entry in ClinVar:

NM_001128178.3(NPHP1):c.205-6del

Gene: NPHP1 (nephrocystin 1; minus strand). Cytogenetic location: 2q13.
Variant type: Deletion.
Coding change: c.205-6del on transcript NM_001128178.3 (MANE Select); 6 bases into the intron before coding-DNA position 205, one base deleted (T; older notation c.205-6delT).
Molecular consequence: intron variant.
Genome position (GRCh38, 1-based): chr2:110,178,553, A deleted on the plus strand (T on the coding strand, the reverse complement: NPHP1 is on the minus strand). VCF-style (leftmost placement, unchanged base first): chr2-110178552-GA-G. GRCh37 (hg19) VCF-style: chr2-110936129-GA-G.
Other names: c.144-8555del (NM_001128179.3); c.205-6del (NM_001374256.1, NM_001374257.1, NM_207181.4 and 1 more transcripts).
Identifiers: ClinVar variation 2251889 (VCV002251889.2), dbSNP rs2467455437, ClinGen allele CA2580063741.

ClinVar aggregate classification (germline): Uncertain significance (1 of 4 stars; one submission).

Conditions:
Inborn genetic diseases. Identifiers: MedGen C0950123, MeSH D030342.

Submission:

Ambry Genetics
Classification: Uncertain significance for Inborn genetic diseases. Last evaluated: 2021-10-27. Review status: criteria provided, single submitter. Criteria: Ambry Variant Classification Scheme 2023. Collection method: clinical testing. Allele origin: germline.
Comment: The c.205-6delT alteration is located in intron 3 of the NPHP1 gene. This alteration consists of a deletion of 1 nucleotides at nucleotide position c.205-6. Based on insufficient or conflicting evidence, the clinical significance of this alteration remains unclear.